The following is an entry in ClinVar:

ClinVar aggregate classification (germline): Uncertain significance (1 of 4 stars; one submission).

Conditions:
Early Myoclonic Encephalopathy. Identifiers: MedGen C0270855.

Submission:

Labcorp Genetics (formerly Invitae), Labcorp
Classification: Uncertain significance for Early Myoclonic Encephalopathy. Last evaluated: 2025-03-13. Review status: criteria provided, single submitter. Criteria: Invitae Variant Classification Sherloc (09022015). Collection method: clinical testing. Allele origin: germline.
Comment: This sequence change replaces methionine, which is neutral and non-polar, with lysine, which is basic and polar, at codon 1080 of the JMJD1C protein (p.Met1080Lys). This variant is present in population databases (rs766036587, gnomAD 0.008%). This variant has not been reported in the literature in individuals affected with JMJD1C-related conditions. Invitae Evidence Modeling of protein sequence and biophysical properties (such as structural, functional, and spatial information, amino acid conservation, physicochemical variation, residue mobility, and thermodynamic stability) indicates that this missense variant is not expected to disrupt JMJD1C protein function with a negative predictive value of 80%. In summary, the available evidence is currently insufficient to determine the role of this variant in disease. Therefore, it has been classified as a Variant of Uncertain Significance.

NM_032776.3(JMJD1C):c.3239T>A (p.Met1080Lys)

Gene: JMJD1C (jumonji domain containing 1C; minus strand). Cytogenetic location: 10q21.3.
Variant type: single nucleotide variant.
Coding change: c.3239T>A on transcript NM_032776.3 (MANE Select); coding-DNA position 3239, T replaced by A.
Protein change: p.Met1080Lys; replaces methionine 1080 with lysine.
Molecular consequence: missense variant. On other transcripts: non-coding transcript variant (1).
Genome position (GRCh38, 1-based): chr10:63,208,430, A>T on the plus strand (T>A on the coding strand, the complement: JMJD1C is on the minus strand). VCF-style: chr10-63208430-A-T. GRCh37 (hg19) VCF-style: chr10-64968190-A-T.
Other names: c.2693T>A, p.Met898Lys (NM_001282948.2, NM_001318154.2); c.2375T>A, p.Met792Lys (NM_001318153.2); c.3125T>A, p.Met1042Lys (NM_001322252.2); c.2582T>A, p.Met861Lys (NM_001322254.2, NM_001322258.2); short protein forms M1042K, M1080K, M792K, M861K, M898K.
Identifiers: ClinVar variation 4809366 (VCV004809366.1).
Genomic context (GRCh38, chr10:63,208,430, plus strand): 5'-CTATTAGACAATGTAGTGAAATAGTTACTTTGGGGTAAACTCTGAGGCACTGAGTGCTTC[A>T]TTTTATAAAGATCTGATACTGAGCGTTCTACATCCATATCTTGTTTGATGATATGGCTTT-3'
Protein context (NP_116165.1, residues 1070-1090): VERSVSDLYK[Met1080Lys]KHSVPQSLPQ